The following is an entry in ClinVar:

NM_000052.7(ATP7A):c.4061G>A (p.Arg1354Lys)

Gene: ATP7A (ATPase copper transporting alpha; plus strand). Cytogenetic location: Xq21.1.
Variant type: single nucleotide variant.
Coding change: c.4061G>A on transcript NM_000052.7 (MANE Select); coding-DNA position 4061, G replaced by A.
Protein change: p.Arg1354Lys; replaces arginine 1354 with lysine.
Molecular consequence: missense variant. On other transcripts: non-coding transcript variant (1).
Genome position (GRCh38, 1-based): chrX:78,043,372, G>A. VCF-style: chrX-78043372-G-A. GRCh37 (hg19) VCF-style: chrX-77298870-G-A.
Other names: c.3827G>A, p.Arg1276Lys (NM_001282224.2); short protein forms R1354K, R1276K.
Identifiers: ClinVar variation 834184 (VCV000834184.10), dbSNP rs2078062220, ClinGen allele CA413605583.

ClinVar aggregate classification (germline): Uncertain significance (1 of 4 stars; one submission).

Conditions:
Menkes kinky-hair syndrome (MNK). Also called: Copper transport disease; Classic Menkes Disease; Menkes Disease. Identifiers: Orphanet 565, MedGen C0022716, MONDO:0010651, OMIM 309400.
Cutis laxa, X-linked (OHS). Also called: EDS IX; Occipital horn syndrome. Identifiers: Orphanet 198, MedGen C0268353, MONDO:0010572, OMIM 304150.
X-linked distal spinal muscular atrophy type 3. Also called: SPINAL MUSCULAR ATROPHY, DISTAL, X-LINKED RECESSIVE; ATP7A-Related Distal Motor Neuropathy; NEURONOPATHY, DISTAL HEREDITARY MOTOR, X-LINKED; NEUROPATHY, DISTAL HEREDITARY MOTOR, X-LINKED. Identifiers: Orphanet 139557, MedGen C1845359, MONDO:0010338, OMIM 300489.

Submission:

Labcorp Genetics (formerly Invitae), Labcorp
Classification: Uncertain significance for X-linked distal spinal muscular atrophy type 3; Cutis laxa, X-linked; Menkes kinky-hair syndrome. Last evaluated: 2019-02-05. Review status: criteria provided, single submitter. Criteria: Invitae Variant Classification Sherloc (09022015). Collection method: clinical testing. Allele origin: germline.
Comment: In summary, the available evidence is currently insufficient to determine the role of this variant in disease. Therefore, it has been classified as a Variant of Uncertain Significance. Algorithms developed to predict the effect of missense changes on protein structure and function (SIFT, PolyPhen-2, Align-GVGD) all suggest that this variant is likely to be disruptive, but these predictions have not been confirmed by published functional studies and their clinical significance is uncertain. This variant has not been reported in the literature in individuals with ATP7A-related conditions. This variant is not present in population databases (ExAC no frequency). This sequence change replaces arginine with lysine at codon 1354 of the ATP7A protein (p.Arg1354Lys). The arginine residue is highly conserved and there is a small physicochemical difference between arginine and lysine.